The following is an entry in ClinVar:

NM_018646.6(TRPV6):c.614A>G (p.His205Arg)

Gene: TRPV6 (transient receptor potential cation channel subfamily V member 6; minus strand). Cytogenetic location: 7q34.
Variant type: single nucleotide variant.
Coding change: c.614A>G on transcript NM_018646.6 (MANE Select); coding-DNA position 614, A replaced by G.
Protein change: p.His205Arg; replaces histidine 205 with arginine.
Molecular consequence: missense variant.
Genome position (GRCh38, 1-based): chr7:142,876,831, T>C on the plus strand (A>G on the coding strand, the complement: TRPV6 is on the minus strand). VCF-style: chr7-142876831-T-C. GRCh37 (hg19) VCF-style: chr7-142574584-T-C.
Other names: short protein forms H205R.
Identifiers: ClinVar variation 2384630 (VCV002384630.7), dbSNP rs200186434, ClinGen allele CA4532798.
Genomic context (GRCh38, chr7:142,876,831, plus strand): 5'-TGCTCAATGAGCAGCCGCACGATCTCCTCACTGTTCACACAGGCAGCAAAGGACAAAGGG[T>C]GCTCCCCTGTGGACACAGAGAGATCTATGGTAGGAGAGTGCAGGATGGCAGGATGGGGTG-3'
Protein context (NP_061116.5, residues 195-215): SPCNLIYFGE[His205Arg]PLSFAACVNS

ClinVar aggregate classification (germline): Uncertain significance. Review status: criteria provided, multiple submitters, no conflicts (2 of 4 stars). 3 submissions from 3 submitters: Uncertain significance (3). Last evaluated 2025-12-09.

Conditions:
Hyperparathyroidism, transient neonatal. Identifiers: MedGen C1300287, MONDO:0032591, OMIM 618188.
Inborn genetic diseases. Identifiers: MedGen C0950123, MeSH D030342.

Allele frequency attached by ClinVar (database versions not stated): gnomAD 0.00013; ExAC 0.00013; TOPMed 0.00015; gnomAD exomes 0.00008.
gnomAD v4.1: 141 of 1,613,934 alleles (0.0087%); highest among the groups gnomAD compares: Middle Eastern, 0.066%; no homozygotes.

Submissions (3):

Labcorp Genetics (formerly Invitae), Labcorp
Classification: Uncertain significance. Last evaluated: 2025-12-09. Review status: criteria provided, single submitter. Criteria: Invitae Variant Classification Sherloc (09022015). Collection method: clinical testing. Allele origin: germline.
Comment: This sequence change replaces histidine, which is basic and polar, with arginine, which is basic and polar, at codon 205 of the TRPV6 protein (p.His205Arg). This variant is present in population databases (rs200186434, gnomAD 0.01%). This missense change has been observed in individual(s) with chronic pancreatitis (PMID: 31930989, 34538581). ClinVar contains an entry for this variant (Variation ID: 2384630). Experimental studies and prediction algorithms are not available or were not evaluated, and the functional significance of this variant is currently unknown. In summary, the available evidence is currently insufficient to determine the role of this variant in disease. Therefore, it has been classified as a Variant of Uncertain Significance.

Ambry Genetics
Classification: Uncertain significance for Inborn genetic diseases. Last evaluated: 2025-02-26. Review status: criteria provided, single submitter. Criteria: Ambry Variant Classification Scheme 2023. Collection method: clinical testing. Allele origin: germline.

Genomic Medicine Center of Excellence, King Faisal Specialist Hospital and Research Centre
Classification: Uncertain significance for Hyperparathyroidism, transient neonatal. Last evaluated: 2024-03-26. Review status: criteria provided, single submitter. Criteria: ACMG Guidelines, 2015. Collection method: clinical testing. Allele origin: germline.

Literature cited by the submitters: PubMed 31930989 (cited by Labcorp Genetics (formerly Invitae), Labcorp); PubMed 34538581 (cited by Labcorp Genetics (formerly Invitae), Labcorp).